The following is an entry in ClinVar:

ClinVar aggregate classification (germline): Likely benign. Review status: criteria provided, multiple submitters, no conflicts (2 of 4 stars). 4 submissions from 4 submitters: Likely benign (4). Last evaluated 2026-01-17.

Conditions:
Ataxia-telangiectasia syndrome (AT). Also called: Ataxia-telangiectasia; Ataxia-telangiectasia, complementation group D; AT, COMPLEMENTATION GROUP C; LOUIS-BAR SYNDROME; Cerebello-oculocutaneous telangiectasia; Immunodeficiency with ataxia telangiectasia. Identifiers: Orphanet 100, MedGen C0004135, MONDO:0008840, OMIM 208900.
Familial cancer of breast. Also called: BREAST CANCER, FAMILIAL; hereditary breast carcinoma; Hereditary breast cancer. Identifiers: Orphanet 227535, MedGen C0346153, MONDO:0016419, OMIM 114480. Disease mechanism: loss of function.
Hereditary cancer-predisposing syndrome. Also called: Tumor predisposition; Neoplastic Syndromes, Hereditary; Hereditary Cancer Syndrome; Hereditary neoplastic syndrome. Identifiers: Orphanet 140162, MedGen C0027672, MeSH D009386, MONDO:0015356.

Allele frequency attached by ClinVar (database versions not stated): gnomAD 0.00001.
gnomAD v4.1: 1 of 1,612,626 alleles (0.000062%); highest among the groups gnomAD compares: East Asian, 0.0022%; no homozygotes.

Submissions (4):

Labcorp Genetics (formerly Invitae), Labcorp
Classification: Likely benign for Ataxia-telangiectasia syndrome. Last evaluated: 2026-01-17. Review status: criteria provided, single submitter. Criteria: Invitae Variant Classification Sherloc (09022015). Collection method: clinical testing. Allele origin: germline.

Department of Pathology and Laboratory Medicine, Sinai Health System
Classification: Likely benign for Familial cancer of breast; Ataxia-telangiectasia syndrome. Last evaluated: 2020-09-11. Review status: criteria provided, single submitter. Criteria: ACMG Guidelines, 2015. Collection method: clinical testing. Allele origin: germline. Affected: yes.

GeneDx
Classification: Likely benign. Last evaluated: 2017-09-25. Review status: criteria provided, single submitter. Criteria: GeneDx Variant Classification (06012015). Collection method: clinical testing. Allele origin: germline. Affected: yes.
Comment: This variant is considered likely benign or benign based on one or more of the following criteria: it is a conservative change, it occurs at a poorly conserved position in the protein, it is predicted to be benign by multiple in silico algorithms, and/or has population frequency not consistent with disease.

Color Diagnostics, LLC DBA Color Health
Classification: Likely benign for Hereditary cancer-predisposing syndrome. Last evaluated: 2017-03-03. Review status: criteria provided, single submitter. Criteria: ACMG Guidelines, 2015. Collection method: clinical testing. Allele origin: germline.

NM_000051.4(ATM):c.73-15C>A

Gene: ATM (ATM serine/threonine kinase; plus strand). Cytogenetic location: 11q22.3.
Variant type: single nucleotide variant.
Coding change: c.73-15C>A on transcript NM_000051.4 (MANE Select); 15 bases into the intron before coding-DNA position 73, C replaced by A.
Molecular consequence: intron variant.
Genome position (GRCh38, 1-based): chr11:108,227,761, C>A. VCF-style: chr11-108227761-C-A. GRCh37 (hg19) VCF-style: chr11-108098488-C-A.
Other names: c.73-15C>A (NM_001351834.2, NM_001351835.2, NM_001351836.2).
Identifiers: ClinVar variation 490693 (VCV000490693.11), dbSNP rs1216989217, ClinGen allele CA601693775.